The following is an entry in ClinVar:

ClinVar aggregate classification (germline): Uncertain significance (1 of 4 stars; one submission).

Allele frequency attached by ClinVar (database versions not stated): gnomAD exomes 0.00001; ExAC 0.00005.
gnomAD v4.1: 15 of 1,551,876 alleles (0.00097%); highest among the groups gnomAD compares: South Asian, 0.017%; no homozygotes.

Submission:

Labcorp Genetics (formerly Invitae), Labcorp
Classification: Uncertain significance. Last evaluated: 2024-08-21. Review status: criteria provided, single submitter. Criteria: Invitae Variant Classification Sherloc (09022015). Collection method: clinical testing. Allele origin: germline.
Comment: This sequence change replaces phenylalanine, which is neutral and non-polar, with serine, which is neutral and polar, at codon 582 of the WDR87 protein (p.Phe582Ser). This variant is present in population databases (rs764897685, gnomAD 0.009%). This variant has not been reported in the literature in individuals affected with WDR87-related conditions. An algorithm developed to predict the effect of missense changes on protein structure and function (PolyPhen-2) suggests that this variant is likely to be disruptive. In summary, the available evidence is currently insufficient to determine the role of this variant in disease. Therefore, it has been classified as a Variant of Uncertain Significance.

NM_001291088.2(WDR87):c.1862T>C (p.Phe621Ser)

Gene: WDR87 (WD repeat domain 87; minus strand). Cytogenetic location: 19q13.13.
Variant type: single nucleotide variant.
Coding change: c.1862T>C on transcript NM_001291088.2 (MANE Select); coding-DNA position 1862, T replaced by C.
Protein change: p.Phe621Ser; replaces phenylalanine 621 with serine.
Molecular consequence: missense variant.
Genome position (GRCh38, 1-based): chr19:37,893,841, A>G on the plus strand (T>C on the coding strand, the complement: WDR87 is on the minus strand). VCF-style: chr19-37893841-A-G. GRCh37 (hg19) VCF-style: chr19-38384481-A-G.
Other names: c.1745T>C, p.Phe582Ser (NM_031951.5); short protein forms F582S, F621S.
Identifiers: ClinVar variation 2964578 (VCV002964578.3), dbSNP rs764897685, ClinGen allele CA9408856.